The following is an entry in ClinVar:

NM_003072.5(SMARCA4):c.3049C>G (p.Leu1017Val)

Gene: SMARCA4 (SWI/SNF related BAF chromatin remodeling complex subunit ATPase 4; plus strand). Cytogenetic location: 19p13.2.
Variant type: single nucleotide variant.
Coding change: c.3049C>G on transcript NM_003072.5 (MANE Select); coding-DNA position 3049, C replaced by G.
Protein change: p.Leu1017Val; replaces leucine 1017 with valine.
Molecular consequence: missense variant. On other transcripts: non-coding transcript variant (1).
Genome position (GRCh38, 1-based): chr19:11,024,406, C>G. VCF-style: chr19-11024406-C-G. GRCh37 (hg19) VCF-style: chr19-11135082-C-G.
Other names: c.3049C>G, p.Leu1017Val (NM_001128844.3, NM_001128845.2, NM_001128846.2 and 6 more transcripts); short protein forms L1017V.
Identifiers: ClinVar variation 4802574 (VCV004802574.1).

ClinVar aggregate classification (germline): Uncertain significance (1 of 4 stars; one submission).

Conditions:
Rhabdoid tumor predisposition syndrome 2 (RTPS2). Identifiers: Orphanet 231108, Orphanet 69077, MedGen C2750074, MONDO:0013224, OMIM 613325.

Submission:

Labcorp Genetics (formerly Invitae), Labcorp
Classification: Uncertain significance for Rhabdoid tumor predisposition syndrome 2. Last evaluated: 2025-05-13. Review status: criteria provided, single submitter. Criteria: Invitae Variant Classification Sherloc (09022015). Collection method: clinical testing. Allele origin: germline.
Comment: This sequence change replaces leucine, which is neutral and non-polar, with valine, which is neutral and non-polar, at codon 1017 of the SMARCA4 protein (p.Leu1017Val). This variant is not present in population databases (gnomAD no frequency). This variant has not been reported in the literature in individuals affected with SMARCA4-related conditions. Invitae Evidence Modeling of protein sequence and biophysical properties (such as structural, functional, and spatial information, amino acid conservation, physicochemical variation, residue mobility, and thermodynamic stability) has been performed for this missense variant. However, the output from this modeling did not meet the statistical confidence thresholds required to predict the impact of this variant on SMARCA4 protein function. In summary, the available evidence is currently insufficient to determine the role of this variant in disease. Therefore, it has been classified as a Variant of Uncertain Significance.